The following is an entry in ClinVar:

NM_004523.4(KIF11):c.210+6A>G

Gene: KIF11 (kinesin family member 11; plus strand). Cytogenetic location: 10q23.33.
Variant type: single nucleotide variant.
Coding change: c.210+6A>G on transcript NM_004523.4 (MANE Select); 6 bases into the intron after coding-DNA position 210, A replaced by G.
Molecular consequence: intron variant.
Genome position (GRCh38, 1-based): chr10:92,606,403, A>G. VCF-style: chr10-92606403-A-G. GRCh37 (hg19) VCF-style: chr10-94366160-A-G.
Identifiers: ClinVar variation 2005488 (VCV002005488.4), dbSNP rs2492475885, ClinGen allele CA2580082296.

ClinVar aggregate classification (germline): Uncertain significance (1 of 4 stars; one submission).

Submission:

Labcorp Genetics (formerly Invitae), Labcorp
Classification: Uncertain significance. Last evaluated: 2022-10-17. Review status: criteria provided, single submitter. Criteria: Invitae Variant Classification Sherloc (09022015). Collection method: clinical testing. Allele origin: germline.
Comment: This sequence change falls in intron 2 of the KIF11 gene. It does not directly change the encoded amino acid sequence of the KIF11 protein. It affects a nucleotide within the consensus splice site. This variant is not present in population databases (gnomAD no frequency). This variant has not been reported in the literature in individuals affected with KIF11-related conditions. Variants that disrupt the consensus splice site are a relatively common cause of aberrant splicing (PMID: 17576681, 9536098). Algorithms developed to predict the effect of sequence changes on RNA splicing suggest that this variant is not likely to affect RNA splicing. In summary, the available evidence is currently insufficient to determine the role of this variant in disease. Therefore, it has been classified as a Variant of Uncertain Significance.

Literature cited by the submitters: PubMed 17576681; PubMed 9536098.